The following is an entry in ClinVar:

ClinVar aggregate classification (germline): Uncertain significance (1 of 4 stars; one submission).

Conditions:
Desmin-related myofibrillar myopathy (MFM1). Also called: Desminopathy; Desmin related myopathy (former name); Desmin storage myopathy (former name); MYOFIBRILLAR MYOPATHY WITH ARRHYTHMOGENIC RIGHT VENTRICULAR CARDIOMYOPATHY; DESMIN-RELATED MYOPATHY WITH ARRHYTHMOGENIC RIGHT VENTRICULAR CARDIOMYOPATHY; Myofibrillar myopathy 1. Identifiers: Orphanet 363543, Orphanet 98909, MedGen C1832370, MONDO:0011076, OMIM 601419.

Submission:

Labcorp Genetics (formerly Invitae), Labcorp
Classification: Uncertain significance for Desmin-related myofibrillar myopathy. Last evaluated: 2024-04-24. Review status: criteria provided, single submitter. Criteria: Invitae Variant Classification Sherloc (09022015). Collection method: clinical testing. Allele origin: germline.
Comment: This sequence change affects an acceptor splice site in intron 8 of the DES gene. While this variant is not anticipated to result in nonsense mediated decay, it likely alters RNA splicing and results in a disrupted protein product. This variant is not present in population databases (gnomAD no frequency). This variant has not been reported in the literature in individuals affected with DES-related conditions. Variants that disrupt the consensus splice site are a relatively common cause of aberrant splicing (PMID: 17576681, 9536098). Algorithms developed to predict the effect of sequence changes on RNA splicing suggest that this variant may disrupt the consensus splice site. In summary, the available evidence is currently insufficient to determine the role of this variant in disease. Therefore, it has been classified as a Variant of Uncertain Significance.

Literature cited by the submitters: PubMed 17576681; PubMed 9536098.

NM_001927.4(DES):c.1372-1G>A

Gene: DES (desmin; plus strand). Cytogenetic location: 2q35.
Variant type: single nucleotide variant.
Coding change: c.1372-1G>A on transcript NM_001927.4 (MANE Select); the canonical splice acceptor site of the intron before coding-DNA position 1372, G replaced by A.
Molecular consequence: splice acceptor variant. On other transcripts: intron variant (1).
Genome position (GRCh38, 1-based): chr2:219,425,948, G>A. VCF-style: chr2-219425948-G-A. GRCh37 (hg19) VCF-style: chr2-220290670-G-A.
Other names: c.1371+203G>A (NM_001382712.1); c.1351-1G>A (NM_001382711.1); c.1303-1G>A (NM_001382710.1); c.940-1G>A (NM_001382709.1); c.1369-1G>A (NM_001382708.1); c.1102-1G>A (NM_001382713.1).
Identifiers: ClinVar variation 3755982 (VCV003755982.2).